The following is an entry in ClinVar:

NM_003737.4(DCHS1):c.7448C>T (p.Thr2483Ile)

Gene: DCHS1 (dachsous cadherin-related 1; minus strand). Cytogenetic location: 11p15.4.
Variant type: single nucleotide variant.
Coding change: c.7448C>T on transcript NM_003737.4 (MANE Select); coding-DNA position 7448, C replaced by T.
Protein change: p.Thr2483Ile; replaces threonine 2483 with isoleucine.
Molecular consequence: missense variant.
Genome position (GRCh38, 1-based): chr11:6,624,228, G>A on the plus strand (C>T on the coding strand, the complement: DCHS1 is on the minus strand). VCF-style: chr11-6624228-G-A. GRCh37 (hg19) VCF-style: chr11-6645459-G-A.
Other names: c.7448C>T (NM_003737.2); short protein forms T2483I.
Identifiers: ClinVar variation 374647 (VCV000374647.57), dbSNP rs146434035, ClinGen allele CA5859599.

ClinVar aggregate classification (germline): Likely benign. Review status: criteria provided, multiple submitters, no conflicts (2 of 4 stars). 9 submissions from 9 submitters: Likely benign (6). 3 of the submissions do not count toward it. Last evaluated 2026-08-01.

Conditions:
Inborn genetic diseases. Identifiers: MedGen C0950123, MeSH D030342.
DCHS1-related disorder. Also called: DCHS1-related condition.

Allele frequency attached by ClinVar (database versions not stated): 1000 Genomes Project 0.00040; 1000 Genomes Project 30x 0.00062; ExAC 0.00089; gnomAD 0.00089 and 0.00091; gnomAD exomes 0.00089 and 0.00172; TOPMed 0.00116; ESP Exome Variant Server 0.00131.
gnomAD v4.1: 2,620 of 1,613,182 alleles (0.16%); highest among the groups gnomAD compares: Non-Finnish European, 0.21%; 4 homozygotes.

Submissions (9):

CeGaT Center for Human Genetics Tuebingen
Classification: Likely benign. Last evaluated: 2026-08-01. Review status: criteria provided, single submitter. Criteria: CeGaT Center For Human Genetics Tuebingen Variant Classification Criteria Version 2. Collection method: clinical testing. Allele origin: germline. Affected: yes. Observed: 6 variant alleles.
Comment: DCHS1: BP4

Labcorp Genetics (formerly Invitae), Labcorp
Classification: Likely benign. Last evaluated: 2026-01-24. Review status: criteria provided, single submitter. Criteria: Invitae Variant Classification Sherloc (09022015). Collection method: clinical testing. Allele origin: germline.

Women's Health and Genetics/Laboratory Corporation of America, LabCorp
Classification: Likely benign. Last evaluated: 2025-05-13. Review status: criteria provided, single submitter. Criteria: LabCorp Variant Classification Summary - May 2015. Collection method: clinical testing. Allele origin: germline.
Comment: Variant summary: DCHS1 c.7448C>T (p.Thr2483Ile) results in a non-conservative amino acid change in the encoded protein sequence. Algorithms developed to predict the effect of missense changes on protein structure and function are either unavailable or do not agree on the potential impact of this missense change. The variant allele was found at a frequency of 0.0016 in 1613182 control chromosomes, predominantly at a frequency of 0.0021 within the Non-Finnish European subpopulation in the gnomAD database (v4), including 4 homozygotes. This frequency is not significantly higher than estimated for a pathogenic variant in DCHS1 causing DCHS1-Related Disorders, allowing no conclusion about variant significance. To our knowledge, no occurrence of c.7448C>T in individuals affected with DCHS1-Related Disorders and no experimental evidence demonstrating its impact on protein function have been reported. ClinVar contains an entry for this variant (Variation ID: 374647). Based on the evidence outlined above, the variant was classified as likely benign.

Blueprint Genetics
Classification: Likely benign. Last evaluated: 2024-11-22. Review status: criteria provided, single submitter. Criteria: ACMG Guidelines, 2015. Collection method: clinical testing. Allele origin: germline.

Ambry Genetics
Classification: Likely benign for Inborn genetic diseases. Last evaluated: 2022-03-30. Review status: criteria provided, single submitter. Criteria: Ambry Variant Classification Scheme 2023. Collection method: clinical testing. Allele origin: germline.

GeneDx
Classification: Likely benign. Last evaluated: 2021-02-04. Review status: criteria provided, single submitter. Criteria: GeneDx Variant Classification Process June 2021. Collection method: clinical testing. Allele origin: germline. Affected: yes.

PreventionGenetics, part of Exact Sciences
Classification: Likely benign for DCHS1-related condition. Last evaluated: 2022-03-16. Review status: no assertion criteria provided. Collection method: clinical testing. Allele origin: germline. Not counted in ClinVar's aggregate classification.
Comment: This variant is classified as likely benign based on ACMG/AMP sequence variant interpretation guidelines (Richards et al. 2015 PMID: 25741868, with internal and published modifications).

Clinical Genetics DNA and cytogenetics Diagnostics Lab, Erasmus MC, Erasmus Medical Center
Classification: Likely benign. Review status: no assertion criteria provided. Collection method: clinical testing. Allele origin: germline. Affected: yes. Study: VKGL Data-share Consensus. Not counted in ClinVar's aggregate classification.

Laboratory of Diagnostic Genome Analysis, Leiden University Medical Center (LUMC)
Classification: Likely benign. Review status: no assertion criteria provided. Collection method: clinical testing. Allele origin: germline. Affected: yes. Study: VKGL Data-share Consensus. Not counted in ClinVar's aggregate classification.

Literature cited by the submitters: PubMed 28518168 (cited by Ambry Genetics); PubMed 32461654 (cited by Ambry Genetics).